The following is an entry in ClinVar:

ClinVar aggregate classification (germline): Uncertain significance (1 of 4 stars; one submission).

Submission:

Labcorp Genetics (formerly Invitae), Labcorp
Classification: Uncertain significance. Last evaluated: 2021-01-15. Review status: criteria provided, single submitter. Criteria: Invitae Variant Classification Sherloc (09022015). Collection method: clinical testing. Allele origin: germline.
Comment: This sequence change creates a premature translational stop signal (p.Phe14Valfs*27) in the KPNA7 gene. It is expected to result in an absent or disrupted protein product. However, the current clinical and genetic evidence is not sufficient to establish whether loss-of-function variants in KPNA7 cause disease. This variant is not present in population databases (ExAC no frequency). This variant has not been reported in the literature in individuals with KPNA7-related conditions. Algorithms developed to predict the effect of sequence changes on RNA splicing suggest that this variant may create or strengthen a splice site, but this prediction has not been confirmed by published transcriptional studies. In summary, the available evidence is currently insufficient to determine the role of this variant in disease. Therefore, it has been classified as a Variant of Uncertain Significance.

NM_001145715.3(KPNA7):c.40_44del (p.Phe14fs)

Gene: KPNA7 (karyopherin subunit alpha 7; minus strand). Cytogenetic location: 7q22.1.
Variant type: Deletion.
Coding change: c.40_44del on transcript NM_001145715.3 (MANE Select); coding-DNA positions 40 to 44, 5 bases deleted (TTTAA; older notation c.40_44delTTTAA).
Protein change: p.Phe14fs; shifts the reading frame from phenylalanine 14.
Molecular consequence: frameshift variant.
Genome position (GRCh38, 1-based): chr7:99,207,423-99,207,427, TTAAA deleted on the plus strand (TTTAA on the coding strand, the reverse complement: KPNA7 is on the minus strand); deleting any 5 consecutive bases within chr7:99,207,423-99,207,429 gives the same sequence; the c. name uses the placement nearest the transcript's 3' end. VCF-style (leftmost placement, unchanged base first): chr7-99207422-CTTAAA-C. GRCh37 (hg19) VCF-style: chr7-98805045-CTTAAA-C.
Other names: short protein forms F14fs.
Identifiers: ClinVar variation 1377598 (VCV001377598.6), dbSNP rs1790868687, ClinGen allele CA1728974260.